The following is an entry in ClinVar:

NM_000350.3(ABCA4):c.3777C>G (p.Leu1259=)

Genes: ABCA4 (ATP binding cassette subfamily A member 4; minus strand), LOC126805794 (BRD4-independent group 4 enhancer GRCh37_chr1:94502188-94503387; plus strand). Cytogenetic location: 1p22.1.
Variant type: single nucleotide variant.
Coding change: c.3777C>G on transcript NM_000350.3 (MANE Select); coding-DNA position 3777, C replaced by G.
Protein change: p.Leu1259=; no amino-acid change (leucine 1259 retained).
Molecular consequence: synonymous variant.
Genome position (GRCh38, 1-based): chr1:94,037,181, G>C on the plus strand (C>G on the coding strand, the complement: ABCA4 is on the minus strand). VCF-style: chr1-94037181-G-C. GRCh37 (hg19) VCF-style: chr1-94502737-G-C.
Other names: c.3555C>G, p.Leu1185= (NM_001425324.1).
Identifiers: ClinVar variation 4750105 (VCV004750105.1).

ClinVar aggregate classification (germline): Uncertain significance (1 of 4 stars; one submission).

gnomAD v4.1: 1 of 1,614,208 alleles (0.000062%); highest among the groups gnomAD compares: East Asian, 0.0022%; no homozygotes.

Submission:

Labcorp Genetics (formerly Invitae), Labcorp
Classification: Uncertain significance. Last evaluated: 2025-09-03. Review status: criteria provided, single submitter. Criteria: Invitae Variant Classification Sherloc (09022015). Collection method: clinical testing. Allele origin: germline.
Comment: This sequence change affects codon 1259 of the ABCA4 mRNA. It is a 'silent' change, meaning that it does not change the encoded amino acid sequence of the ABCA4 protein. This variant is not present in population databases (gnomAD no frequency). This variant has been observed in individual(s) with stargardt disease (PMID: 26780318, 31543898). In at least one individual the data is consistent with being in trans (on the opposite chromosome) from a pathogenic variant. Algorithms developed to predict the effect of sequence changes on RNA splicing suggest that this variant is not likely to affect RNA splicing. In summary, the available evidence is currently insufficient to determine the role of this variant in disease. Therefore, it has been classified as a Variant of Uncertain Significance.

Literature cited by the submitters: PubMed 26780318; PubMed 31543898.